The following is an entry in ClinVar:

NM_001323289.2(CDKL5):c.372_385del (p.His124fs)

Gene: CDKL5 (cyclin dependent kinase like 5; plus strand). Cytogenetic location: Xp22.13.
Variant type: Deletion.
Coding change: c.372_385del on transcript NM_001323289.2 (MANE Select); coding-DNA positions 372 to 385, 14 bases deleted (CTGGTGCCATAAGA).
Protein change: p.His124fs; shifts the reading frame from histidine 124.
Molecular consequence: frameshift variant.
Genome position (GRCh38, 1-based): chrX:18,579,937-18,579,950, CTGGTGCCATAAGA deleted; deleting any 14 consecutive bases within chrX:18,579,936-18,579,950 gives the same sequence; the c. name uses the placement nearest the transcript's 3' end. VCF-style (leftmost placement, unchanged base first): chrX-18579935-CACTGGTGCCATAAG-C. GRCh37 (hg19) VCF-style: chrX-18598055-CACTGGTGCCATAAG-C.
Other names: NM_001323289.2(CDKL5):c.372_385del; p.His124fs; c.372_385del, p.His124fs (NM_001037343.2, NM_003159.3); short protein forms H124fs.
Identifiers: ClinVar variation 2105592 (VCV002105592.7), dbSNP rs2518849265, ClinGen allele CA2580100385.

ClinVar aggregate classification (germline): Pathogenic. Review status: reviewed by expert panel (3 of 4 stars). 3 submissions from 3 submitters: Pathogenic (1). 2 of the submissions do not count toward it. Last evaluated 2025-08-27.

Conditions:
CDKL5 disorder. Identifiers: MedGen CN296942, MONDO:0100039.
Developmental and epileptic encephalopathy, 2 (DEE2). Also called: INFANTILE SPASM SYNDROME, X-LINKED 2; CDKL5 deficiency disorder. Identifiers: Orphanet 1934, Orphanet 3451, Orphanet 505652, MedGen C4750718, MONDO:0010396, OMIM 300672.
Angelman syndrome-like. Identifiers: MedGen CN128785.

Submissions (3):

ClinGen Rett and Angelman-like Disorders Variant Curation Expert Panel
Classification: Pathogenic for CDKL5 disorder. Last evaluated: 2025-08-27. Review status: reviewed by expert panel. Criteria: ClinGen RettAS ACMG Specifications CDKL5 V5.0.0. Collection method: curation. Allele origin: germline. Inheritance: X-linked inheritance.
Comment: The p.His124GlnfsTer2 variant in CDKL5 is predicted to cause a premature stop codon that leads to a truncated or absent protein in a gene where loss-of-function is an established mechanism. There is significant evidence that loss of this region of the gene is pathogenic (PVS1). The p.His124GlnfsTer2 variant in CDKL5 is absent from gnomAD v4.1 (PM2_Supporting). The p.His124GlnfsTer2 variant has been observed in at least 2 individuals with CDKL5 disorder (PMID 38539105, internal database - Labcorp (formerly Invitae)) (PS4_Supporting). In summary, the p.His124GlnfsTer2 variant in CDKL5 is classified as pathogenic for CDKL5 disorder based on the ACMG/AMP criteria (PVS1, PM2_Supporting, PS4_Supporting). (CDKL5 Specifications v.5.0.0; curation approved on 8/27/2025)

Centre for Population Genomics, CPG
Classification: Likely pathogenic for CDKL5 disorder. Last evaluated: 2025-02-19. Review status: criteria provided, single submitter. Criteria: McKnight et al. (Hum Mutat. 2022). Collection method: curation. Allele origin: germline. Inheritance: X-linked inheritance. Not counted in ClinVar's aggregate classification.
Comment: This variant has been collected from RettBASE and curated to current modified ACMG/AMP criteria. Based on the classification scheme defined by the ClinGen Rett/Angelman-like Expert Panel for Rett/AS-like Disorders Specifications to the ACMG/AMP Variant Interpretation Guidelines VCEP 3.0, this variant is classified as likely pathogenic. At least the following criteria are met: Predicted to result in loss of function, and LOF is a known mechanism of disease (PVS1). This variant is absent from gnomAD (PM2_Supporting).

Labcorp Genetics (formerly Invitae), Labcorp
Classification: Pathogenic for Developmental and epileptic encephalopathy, 2; Angelman syndrome-like. Last evaluated: 2022-03-02. Review status: criteria provided, single submitter. Criteria: Invitae Variant Classification Sherloc (09022015). Collection method: clinical testing. Allele origin: germline. Not counted in ClinVar's aggregate classification.
Comment: For these reasons, this variant has been classified as Pathogenic. This variant has not been reported in the literature in individuals affected with CDKL5-related conditions. This variant is not present in population databases (gnomAD no frequency). This sequence change creates a premature translational stop signal (p.His124Glnfs*2) in the CDKL5 gene. It is expected to result in an absent or disrupted protein product. Loss-of-function variants in CDKL5 are known to be pathogenic (PMID: 22872100).

Literature cited by the submitters: PubMed 22872100 (cited by Labcorp Genetics (formerly Invitae), Labcorp).